The following is an entry in ClinVar:

ClinVar aggregate classification (germline): Uncertain significance. Review status: criteria provided, multiple submitters, no conflicts (2 of 4 stars). 4 submissions from 4 submitters: Uncertain significance (4). Last evaluated 2026-05-29.

Conditions:
Inborn genetic diseases. Identifiers: MedGen C0950123, MeSH D030342.

Allele frequency attached by ClinVar (database versions not stated): gnomAD exomes 0.00005; 1000 Genomes Project 30x 0.00016; 1000 Genomes Project 0.00020; TOPMed 0.00004; gnomAD 0.00004 and 0.00005; ExAC 0.00006.

Submissions (4):

GeneDx
Classification: Uncertain significance. Last evaluated: 2026-05-29. Review status: criteria provided, single submitter. Criteria: GeneDx Variant Classification Process June 2021. Collection method: clinical testing. Allele origin: germline.
Comment: In silico analysis suggests that this missense variant does not alter protein structure/function; Has not been previously published as pathogenic or benign to our knowledge

Ambry Genetics
Classification: Uncertain significance for Inborn genetic diseases. Last evaluated: 2024-12-06. Review status: criteria provided, single submitter. Criteria: Ambry Variant Classification Scheme 2023. Collection method: clinical testing. Allele origin: germline.

Labcorp Genetics (formerly Invitae), Labcorp
Classification: Uncertain significance. Last evaluated: 2022-09-03. Review status: criteria provided, single submitter. Criteria: Invitae Variant Classification Sherloc (09022015). Collection method: clinical testing. Allele origin: germline.
Comment: This sequence change replaces aspartic acid, which is acidic and polar, with tyrosine, which is neutral and polar, at codon 442 of the PIGV protein (p.Asp442Tyr). This variant is present in population databases (rs201804133, gnomAD 0.01%). This variant has not been reported in the literature in individuals affected with PIGV-related conditions. ClinVar contains an entry for this variant (Variation ID: 1345599). Algorithms developed to predict the effect of missense changes on protein structure and function are either unavailable or do not agree on the potential impact of this missense change (SIFT: "Deleterious"; PolyPhen-2: "Benign"; Align-GVGD: "Class C0"). In summary, the available evidence is currently insufficient to determine the role of this variant in disease. Therefore, it has been classified as a Variant of Uncertain Significance.

Breakthrough Genomics
Classification: Uncertain significance. Review status: criteria provided, single submitter. Criteria: ACMG Guidelines, 2015. Collection method: not provided. Allele origin: germline. Inheritance: Autosomal recessive inheritance. Affected: yes.

NM_017837.4(PIGV):c.1324G>T (p.Asp442Tyr)

Gene: PIGV (phosphatidylinositol glycan anchor biosynthesis class V; plus strand). Cytogenetic location: 1p36.11.
Variant type: single nucleotide variant.
Coding change: c.1324G>T on transcript NM_017837.4 (MANE Select); coding-DNA position 1324, G replaced by T.
Protein change: p.Asp442Tyr; replaces aspartic acid 442 with tyrosine.
Molecular consequence: missense variant. On other transcripts: non-coding transcript variant (2).
Genome position (GRCh38, 1-based): chr1:26,797,686, G>T. VCF-style: chr1-26797686-G-T. GRCh37 (hg19) VCF-style: chr1-27124177-G-T.
Other names: c.1324G>T, p.Asp442Tyr (NM_001202554.2, NM_001374478.1, NM_001374480.1 and 2 more transcripts); c.943G>T, p.Asp315Tyr (NM_001374483.1); c.697G>T, p.Asp233Tyr (NM_001374484.1, NM_001374485.1); c.1324G>T (NM_017837.3); c.202G>T, p.Asp68Tyr (NM_001374486.1); short protein forms D442Y, D233Y, D68Y, D315Y.
Identifiers: ClinVar variation 1345599 (VCV001345599.8), dbSNP rs201804133, ClinGen allele CA708208.
Genomic context (GRCh38, chr1:26,797,686, plus strand): 5'-CAGGATCAAGAGCCGCTGTTGAGATCCTTAAAGACTGTGCCTTGGAAGCCTCTTGCAGAG[G>T]ACTCCCCACCAGGACAAAAGGTCCCCAGAAATCCTATCATGGGACTTTTGTATCACTGGA-3'
Protein context (NP_060307.2, residues 432-452): KTVPWKPLAE[Asp442Tyr]SPPGQKVPRN